The following is an entry in ClinVar:

ClinVar aggregate classification (germline): Uncertain significance (1 of 4 stars; one submission).

Conditions:
Primary ciliary dyskinesia. Also called: Ciliary dyskinesia. Identifiers: Orphanet 244, MedGen C0008780, MONDO:0016575, HP:0012265.

Allele frequency attached by ClinVar (database versions not stated): gnomAD exomes below 0.00001.
gnomAD v4.1: 1 of 1,613,742 alleles (0.000062%); highest among the groups gnomAD compares: East Asian, 0.0022%; no homozygotes.

Submission:

Labcorp Genetics (formerly Invitae), Labcorp
Classification: Uncertain significance for Primary ciliary dyskinesia. Last evaluated: 2024-01-17. Review status: criteria provided, single submitter. Criteria: Invitae Variant Classification Sherloc (09022015). Collection method: clinical testing. Allele origin: germline.
Comment: This sequence change replaces proline, which is neutral and non-polar, with leucine, which is neutral and non-polar, at codon 3493 of the DNAH11 protein (p.Pro3493Leu). This variant is not present in population databases (gnomAD no frequency). This missense change has been observed in individual(s) with clinical features of DNAH11-related conditions (Invitae). ClinVar contains an entry for this variant (Variation ID: 1037406). Advanced modeling of protein sequence and biophysical properties (such as structural, functional, and spatial information, amino acid conservation, physicochemical variation, residue mobility, and thermodynamic stability) has been performed at Invitae for this missense variant, however the output from this modeling did not meet the statistical confidence thresholds required to predict the impact of this variant on DNAH11 protein function. In summary, the available evidence is currently insufficient to determine the role of this variant in disease. Therefore, it has been classified as a Variant of Uncertain Significance.

NM_001277115.2(DNAH11):c.10478C>T (p.Pro3493Leu)

Gene: DNAH11 (dynein axonemal heavy chain 11; plus strand). Cytogenetic location: 7p15.3.
Variant type: single nucleotide variant.
Coding change: c.10478C>T on transcript NM_001277115.2 (MANE Select); coding-DNA position 10478, C replaced by T.
Protein change: p.Pro3493Leu; replaces proline 3493 with leucine.
Molecular consequence: missense variant.
Genome position (GRCh38, 1-based): chr7:21,816,612, C>T. VCF-style: chr7-21816612-C-T. GRCh37 (hg19) VCF-style: chr7-21856230-C-T.
Other names: short protein forms P3493L.
Identifiers: ClinVar variation 1037406 (VCV001037406.9), dbSNP rs1789804608, ClinGen allele CA366948770.